The following is an entry in ClinVar:

NM_018129.4(PNPO):c.264-129C>T

Gene: PNPO (pyridoxamine 5'-phosphate oxidase; plus strand). Cytogenetic location: 17q21.32.
Variant type: single nucleotide variant.
Coding change: c.264-129C>T on transcript NM_018129.4 (MANE Select); 129 bases into the intron before coding-DNA position 264, C replaced by T.
Molecular consequence: intron variant.
Genome position (GRCh38, 1-based): chr17:47,944,487, C>T. VCF-style: chr17-47944487-C-T. GRCh37 (hg19) VCF-style: chr17-46021853-C-T.
Identifiers: ClinVar variation 670492 (VCV000670492.1), dbSNP rs79390440, ClinGen allele CA291295189.

ClinVar aggregate classification (germline): Likely benign (1 of 4 stars; one submission).

Allele frequency attached by ClinVar (database versions not stated): 1000 Genomes Project 30x 0.00328; 1000 Genomes Project 0.00359; TOPMed 0.00769; gnomAD 0.00856 and 0.00927; gnomAD exomes 0.00993.
gnomAD v4.1: 7,663 of 791,268 alleles (0.97%); highest among the groups gnomAD compares: Non-Finnish European, 1.2%; 70 homozygotes.

Submission:

GeneDx
Classification: Likely benign. Last evaluated: 2018-06-14. Review status: criteria provided, single submitter. Criteria: GeneDx Variant Classification (06012015). Collection method: clinical testing. Allele origin: germline. Affected: yes.
Comment: This variant is considered likely benign or benign based on one or more of the following criteria: it is a conservative change, it occurs at a poorly conserved position in the protein, it is predicted to be benign by multiple in silico algorithms, and/or has population frequency not consistent with disease.